The following is an entry in ClinVar:

NM_000443.4(ABCB4):c.2064+55A>G

Gene: ABCB4 (ATP binding cassette subfamily B member 4; minus strand). Cytogenetic location: 7q21.12.
Variant type: single nucleotide variant.
Coding change: c.2064+55A>G on transcript NM_000443.4 (MANE Select); 55 bases into the intron after coding-DNA position 2064, A replaced by G.
Molecular consequence: intron variant.
Genome position (GRCh38, 1-based): chr7:87,426,695, T>C on the plus strand (A>G on the coding strand, the complement: ABCB4 is on the minus strand). VCF-style: chr7-87426695-T-C. GRCh37 (hg19) VCF-style: chr7-87056011-T-C.
Other names: c.2064+55A>G (NM_018850.3, NM_018849.3).
Identifiers: ClinVar variation 1252447 (VCV001252447.4), dbSNP rs1017054, ClinGen allele CA12592303.

ClinVar aggregate classification (germline): Benign. Review status: criteria provided, multiple submitters, no conflicts (2 of 4 stars). 3 submissions from 3 submitters: Benign (3). Last evaluated 2026-04-14.

Conditions:
Low phospholipid associated cholelithiasis (GBD1). Also called: Gallstone cholecystitis; Gallbladder disease 1. Identifiers: Orphanet 69663, MedGen C2609268, MONDO:0010939, OMIM 600803.
Familial intrahepatic cholestasis. Identifiers: Orphanet 284385, MedGen CN296401, MONDO:0017290.

Allele frequency attached by ClinVar (database versions not stated): gnomAD 0.15294 and 0.15706; TOPMed 0.15889; 1000 Genomes Project 0.16813; 1000 Genomes Project 30x 0.17177.
gnomAD v4.1: 138,862 of 1,547,618 alleles (9%); highest among the groups gnomAD compares: African/African-American, 35%; 9,295 homozygotes.

Submissions (3):

Genomenon, Inc
Classification: Benign for Familial intrahepatic cholestasis; Low phospholipid associated cholelithiasis. Last evaluated: 2026-04-14. Review status: criteria provided, single submitter. Criteria: Genomenon Sequence Variant Interpretation Standards - Updated. Collection method: curation. Allele origin: germline. Affected: no.
Comment: ABCB4 c.2064+55A>G is an intronic variant located in intron 16. This variant is present at high allele frequency in population databases. We classify ABCB4 c.2064+55A>G as a benign variant.

GeneDx
Classification: Benign. Last evaluated: 2018-06-29. Review status: criteria provided, single submitter. Criteria: GeneDx Variant Classification Process June 2021. Collection method: clinical testing. Allele origin: germline. Affected: yes.

Breakthrough Genomics
Classification: Benign. Review status: criteria provided, single submitter. Criteria: ACMG Guidelines, 2015. Collection method: not provided. Allele origin: germline. Inheritance: Autosomal recessive inheritance. Affected: yes.